The following is an entry in ClinVar:

ClinVar aggregate classification (germline): Conflicting classifications of pathogenicity. Review status: criteria provided, conflicting classifications (1 of 4 stars). 5 submissions from 5 submitters: Uncertain significance (3); Likely benign (2). Last evaluated 2025-09-03.

Conditions:
Early-infantile DEE. Also called: Ohtahara syndrome; Early infantile epileptic encephalopathy; Early infantile epileptic encephalopathy with suppression bursts. Identifiers: Orphanet 1934, MedGen C0393706, MONDO:0800491.
Inborn genetic diseases. Identifiers: MedGen C0950123, MeSH D030342.
Developmental and epileptic encephalopathy, 5 (DEE5). Identifiers: Orphanet 3451, MedGen C3150731, MONDO:0013277, OMIM 613477.

Allele frequency attached by ClinVar (database versions not stated): gnomAD 0.00001 and 0.00002; ExAC 0.00002; gnomAD exomes 0.00002; TOPMed 0.00003.
gnomAD v4.1: 34 of 1,612,052 alleles (0.0021%); highest among the groups gnomAD compares: Non-Finnish European, 0.0025%; no homozygotes.

Submissions (5):

Labcorp Genetics (formerly Invitae), Labcorp
Classification: Uncertain significance for Early-infantile DEE. Last evaluated: 2025-09-03. Review status: criteria provided, single submitter. Criteria: Invitae Variant Classification Sherloc (09022015). Collection method: clinical testing. Allele origin: germline.
Comment: This sequence change replaces lysine, which is basic and polar, with arginine, which is basic and polar, at codon 214 of the SPTAN1 protein (p.Lys214Arg). This variant is present in population databases (rs760419507, gnomAD 0.003%). This variant has not been reported in the literature in individuals affected with SPTAN1-related conditions. ClinVar contains an entry for this variant (Variation ID: 207314). Invitae Evidence Modeling of protein sequence and biophysical properties (such as structural, functional, and spatial information, amino acid conservation, physicochemical variation, residue mobility, and thermodynamic stability) has been performed for this missense variant. However, the output from this modeling did not meet the statistical confidence thresholds required to predict the impact of this variant on SPTAN1 protein function. In summary, the available evidence is currently insufficient to determine the role of this variant in disease. Therefore, it has been classified as a Variant of Uncertain Significance.

Ambry Genetics
Classification: Uncertain significance for Inborn genetic diseases. Last evaluated: 2024-07-05. Review status: criteria provided, single submitter. Criteria: Ambry Variant Classification Scheme 2023. Collection method: clinical testing. Allele origin: germline.

Genome-Nilou Lab
Classification: Likely benign for Developmental and epileptic encephalopathy, 5. Last evaluated: 2021-07-15. Review status: criteria provided, single submitter. Criteria: ACMG Guidelines, 2015. Collection method: clinical testing. Allele origin: germline. Affected: no.

CeGaT Center for Human Genetics Tuebingen
Classification: Uncertain significance. Last evaluated: 2016-09-01. Review status: criteria provided, single submitter. Criteria: CeGaT Center For Human Genetics Tuebingen Variant Classification Criteria Version 2. Collection method: clinical testing. Allele origin: germline. Affected: yes. Observed: 1 variant allele.

GeneDx
Classification: Likely benign. Last evaluated: 2015-03-09. Review status: criteria provided, single submitter. Criteria: GeneDx Variant Classification (06012015). Collection method: clinical testing. Allele origin: germline. Affected: yes.
Comment: This variant is considered likely benign or benign based on one or more of the following criteria: it is a conservative change, it occurs at a poorly conserved position in the protein, it is predicted to be benign by multiple in silico algorithms, and/or has population frequency not consistent with disease.

NM_001130438.3(SPTAN1):c.641A>G (p.Lys214Arg)

Gene: SPTAN1 (spectrin alpha, non-erythrocytic 1; plus strand). Cytogenetic location: 9q34.11.
Variant type: single nucleotide variant.
Coding change: c.641A>G on transcript NM_001130438.3 (MANE Select); coding-DNA position 641, A replaced by G.
Protein change: p.Lys214Arg; replaces lysine 214 with arginine.
Molecular consequence: missense variant.
Genome position (GRCh38, 1-based): chr9:128,575,335, A>G. VCF-style: chr9-128575335-A-G. GRCh37 (hg19) VCF-style: chr9-131337614-A-G.
Other names: p.K214R:AAA>AGA; c.641A>G, p.Lys214Arg (NM_001195532.2, NM_001363759.2, NM_001363765.2 and 1 more transcripts); short protein forms K214R.
Identifiers: ClinVar variation 207314 (VCV000207314.52), dbSNP rs760419507, ClinGen allele CA318660.